The following is an entry in ClinVar:

ClinVar aggregate classification (germline): Uncertain significance (1 of 4 stars; one submission).

Allele frequency attached by ClinVar (database versions not stated): gnomAD exomes below 0.00001.
gnomAD v4.1: 4 of 1,608,788 alleles (0.00025%); highest among the groups gnomAD compares: Non-Finnish European, 0.00034%; no homozygotes.

Submission:

GeneDx
Classification: Uncertain significance. Last evaluated: 2023-04-04. Review status: criteria provided, single submitter. Criteria: GeneDx Variant Classification Process June 2021. Collection method: clinical testing. Allele origin: germline. Affected: yes.
Comment: Has not been previously published as pathogenic or benign to our knowledge; Not observed at significant frequency in large population cohorts (gnomAD); Nonsense variant predicted to result in protein truncation as the last 12 amino acids are lost

NM_006440.5(TXNRD2):c.1538C>G (p.Ser513Ter)

Gene: TXNRD2 (thioredoxin reductase 2; minus strand). Cytogenetic location: 22q11.21.
Variant type: single nucleotide variant.
Coding change: c.1538C>G on transcript NM_006440.5 (MANE Select); coding-DNA position 1538, C replaced by G.
Protein change: p.Ser513Ter; replaces serine 513 with a stop codon.
Molecular consequence: nonsense. On other transcripts: non-coding transcript variant (1).
Genome position (GRCh38, 1-based): chr22:19,877,142, G>C on the plus strand (C>G on the coding strand, the complement: TXNRD2 is on the minus strand). VCF-style: chr22-19877142-G-C. GRCh37 (hg19) VCF-style: chr22-19864665-G-C.
Other names: c.1535C>G, p.Ser512Ter (NM_001352300.2); c.1448C>G, p.Ser483Ter (NM_001352301.2); c.1250C>G, p.Ser417Ter (NM_001352302.2); short protein forms S417*, S483*, S512*, S513*.
Identifiers: ClinVar variation 2662615 (VCV002662615.1), dbSNP rs1247984749, ClinGen allele CA410691466.
Genomic context (GRCh38, chr22:19,877,142, plus strand): 5'-GCCCTGGCCTGCAGGGATGGCGCTTACCCTCAGCAGCCTGTCACCGTGGGGTCCAGGCCT[G>C]AGCGCTTGGAGATGCGCAGCTTGACTACCTCCTCAGAGCATGTGGGATGGATACCCACGG-3'